The following is an entry in ClinVar:

NM_004309.6(ARHGDIA):c.250G>T (p.Gly84Cys)

Genes: ARHGDIA (Rho GDP dissociation inhibitor alpha; minus strand), LOC130061973 (ATAC-STARR-seq lymphoblastoid silent region 9158; plus strand). Cytogenetic location: 17q25.3.
Variant type: single nucleotide variant.
Coding change: c.250G>T on transcript NM_004309.6 (MANE Select); coding-DNA position 250, G replaced by T.
Protein change: p.Gly84Cys; replaces glycine 84 with cysteine.
Molecular consequence: missense variant. On other transcripts: non-coding transcript variant (1).
Genome position (GRCh38, 1-based): chr17:81,869,566, C>A on the plus strand (G>T on the coding strand, the complement: ARHGDIA is on the minus strand). VCF-style: chr17-81869566-C-A. GRCh37 (hg19) VCF-style: chr17-79827442-C-A.
Other names: c.250G>T, p.Gly84Cys (NM_001185077.3, NM_001185078.3, NM_001301240.2 and 3 more transcripts); short protein forms G84C.
Identifiers: ClinVar variation 2987393 (VCV002987393.3), dbSNP rs2509975581, ClinGen allele CA401525072.

ClinVar aggregate classification (germline): Uncertain significance (1 of 4 stars; one submission).

Submission:

Labcorp Genetics (formerly Invitae), Labcorp
Classification: Uncertain significance. Last evaluated: 2023-12-21. Review status: criteria provided, single submitter. Criteria: Invitae Variant Classification Sherloc (09022015). Collection method: clinical testing. Allele origin: germline.
Comment: This sequence change replaces glycine, which is neutral and non-polar, with cysteine, which is neutral and slightly polar, at codon 84 of the ARHGDIA protein (p.Gly84Cys). This variant is not present in population databases (gnomAD no frequency). This variant has not been reported in the literature in individuals affected with ARHGDIA-related conditions. An algorithm developed to predict the effect of missense changes on protein structure and function (PolyPhen-2) suggests that this variant is likely to be disruptive. In summary, the available evidence is currently insufficient to determine the role of this variant in disease. Therefore, it has been classified as a Variant of Uncertain Significance.